The following is an entry in ClinVar:

NM_014991.6(WDFY3):c.4486A>C (p.Thr1496Pro)

Gene: WDFY3 (WD repeat and FYVE domain containing 3; minus strand). Cytogenetic location: 4q21.23.
Variant type: single nucleotide variant.
Coding change: c.4486A>C on transcript NM_014991.6 (MANE Select); coding-DNA position 4486, A replaced by C.
Protein change: p.Thr1496Pro; replaces threonine 1496 with proline.
Molecular consequence: missense variant.
Genome position (GRCh38, 1-based): chr4:84,778,535, T>G on the plus strand (A>C on the coding strand, the complement: WDFY3 is on the minus strand). VCF-style: chr4-84778535-T-G. GRCh37 (hg19) VCF-style: chr4-85699688-T-G.
Other names: short protein forms T1496P.
Identifiers: ClinVar variation 2446597 (VCV002446597.1), dbSNP rs1323057994, ClinGen allele CA357548523.
Genomic context (GRCh38, chr4:84,778,535, plus strand): 5'-ATATTATCAATTATGCTTATATACATACTTCAAAATCACAGAGGAGGTCCTGGAAAGCAG[T>G]TGAATTTGGAATAATGGAGGTCTCATGTCCACTATCAACAGTTCCCACCAAAGAAAAAGT-3'
Protein context (NP_055806.2, residues 1486-1506): GHETSIIPNS[Thr1496Pro]AFQDLLCDFE

ClinVar aggregate classification (germline): Uncertain significance (1 of 4 stars; one submission).

gnomAD v4.1: 1 of 1,607,026 alleles (0.000062%); highest among the groups gnomAD compares: African/African-American, 0.0013%; no homozygotes.

Submission:

GeneDx
Classification: Uncertain significance. Last evaluated: 2022-09-29. Review status: criteria provided, single submitter. Criteria: GeneDx Variant Classification Process June 2021. Collection method: clinical testing. Allele origin: germline. Affected: yes.
Comment: Not observed at significant frequency in large population cohorts (gnomAD); In silico analysis supports that this missense variant has a deleterious effect on protein structure/function; Has not been previously published as pathogenic or benign to our knowledge